The following is an entry in ClinVar:

NM_002435.3(MPI):c.170G>T (p.Gly57Val)

Gene: MPI (mannose phosphate isomerase; plus strand). Cytogenetic location: 15q24.1.
Variant type: single nucleotide variant.
Coding change: c.170G>T on transcript NM_002435.3 (MANE Select); coding-DNA position 170, G replaced by T.
Protein change: p.Gly57Val; replaces glycine 57 with valine.
Molecular consequence: missense variant.
Genome position (GRCh38, 1-based): chr15:74,891,404, G>T. VCF-style: chr15-74891404-G-T. GRCh37 (hg19) VCF-style: chr15-75183745-G-T.
Other names: c.170G>T, p.Gly57Val (NM_001289155.2, NM_001289157.2); c.20G>T, p.Gly7Val (NM_001289156.2); c.110G>T, p.Gly37Val (NM_001330372.2); short protein forms G37V, G57V, G7V.
Identifiers: ClinVar variation 2162893 (VCV002162893.1), dbSNP rs750510350, ClinGen allele CA7662386.

ClinVar aggregate classification (germline): Uncertain significance (1 of 4 stars; one submission).

Conditions:
MPI-congenital disorder of glycosylation. Also called: PROTEIN-LOSING ENTEROPATHY-HEPATIC FIBROSIS SYNDROME; MPI DEFICIENCY; CONGENITAL DISORDER OF GLYCOSYLATION, TYPE Ib; CDG Ib; MANNOSEPHOSPHATE ISOMERASE DEFICIENCY; MPI-CDG. Identifiers: Orphanet 79319, MedGen C1865145, MONDO:0011257, OMIM 602579.

Allele frequency attached by ClinVar (database versions not stated): ExAC 0.00002; gnomAD exomes 0.00002; gnomAD 0.00003.
gnomAD v4.1: 44 of 1,614,044 alleles (0.0027%); highest among the groups gnomAD compares: Non-Finnish European, 0.0033%; 1 homozygote.

Submission:

Labcorp Genetics (formerly Invitae), Labcorp
Classification: Uncertain significance for MPI-congenital disorder of glycosylation. Last evaluated: 2022-04-12. Review status: criteria provided, single submitter. Criteria: Invitae Variant Classification Sherloc (09022015). Collection method: clinical testing. Allele origin: germline.
Comment: This sequence change replaces glycine, which is neutral and non-polar, with valine, which is neutral and non-polar, at codon 57 of the MPI protein (p.Gly57Val). This variant is present in population databases (rs750510350, gnomAD 0.004%). This variant has not been reported in the literature in individuals affected with MPI-related conditions. Algorithms developed to predict the effect of missense changes on protein structure and function are either unavailable or do not agree on the potential impact of this missense change (SIFT: "Tolerated"; PolyPhen-2: "Probably Damaging"; Align-GVGD: "Class C0"). In summary, the available evidence is currently insufficient to determine the role of this variant in disease. Therefore, it has been classified as a Variant of Uncertain Significance.